The following is an entry in ClinVar:

ClinVar aggregate classification (germline): Uncertain significance. Review status: criteria provided, multiple submitters, no conflicts (2 of 4 stars). 2 submissions from 2 submitters: Uncertain significance (2). Last evaluated 2024-03-26.

Conditions:
Sialic acid storage disease, severe infantile type (ISSD). Also called: SIALURIA, INFANTILE FORM; Free sialic acid storage disease, infantile form; Infantile Sialic Acid Storage Disease; INFANTILE SIALIC ACID STORAGE DISORDER; N-ACETYLNEURAMINIC ACID STORAGE DISEASE; NANA STORAGE DISEASE. Identifiers: Orphanet 309324, Orphanet 834, MedGen C1096902, MONDO:0010027, OMIM 269920.
Salla disease (SD). Also called: Less Severe FSASD (Salla Disease); Sialuria, Finnish type; N-acetylneuraminic acid (NANA) storage disease (NSD); Infantile sialic acid storage disorder (ISSD). Identifiers: Orphanet 309334, Orphanet 834, MedGen C1096903, MONDO:0011449, OMIM 604369.

Allele frequency attached by ClinVar (database versions not stated): gnomAD exomes below 0.00001.
gnomAD v4.1: 1 of 1,614,094 alleles (0.000062%); highest among the groups gnomAD compares: Admixed American, 0.0017%; no homozygotes.

Submissions (2):

Fulgent Genetics
Classification: Uncertain significance for Sialic acid storage disease, severe infantile type; Salla disease. Last evaluated: 2024-03-26. Review status: criteria provided, single submitter. Criteria: ACMG Guidelines, 2015. Collection method: clinical testing. Allele origin: germline.

Labcorp Genetics (formerly Invitae), Labcorp
Classification: Uncertain significance for Salla disease. Last evaluated: 2024-02-17. Review status: criteria provided, single submitter. Criteria: Invitae Variant Classification Sherloc (09022015). Collection method: clinical testing. Allele origin: germline.
Comment: This sequence change replaces asparagine, which is neutral and polar, with aspartic acid, which is acidic and polar, at codon 77 of the SLC17A5 protein (p.Asn77Asp). This variant is present in population databases (no rsID available, gnomAD 0.003%). This variant has not been reported in the literature in individuals affected with SLC17A5-related conditions. ClinVar contains an entry for this variant (Variation ID: 2147560). An algorithm developed to predict the effect of missense changes on protein structure and function (PolyPhen-2) suggests that this variant is likely to be disruptive. In summary, the available evidence is currently insufficient to determine the role of this variant in disease. Therefore, it has been classified as a Variant of Uncertain Significance.

NM_012434.5(SLC17A5):c.229A>G (p.Asn77Asp)

Gene: SLC17A5 (solute carrier family 17 member 5; minus strand). Cytogenetic location: 6q13.
Variant type: single nucleotide variant.
Coding change: c.229A>G on transcript NM_012434.5 (MANE Select); coding-DNA position 229, A replaced by G.
Protein change: p.Asn77Asp; replaces asparagine 77 with aspartic acid.
Molecular consequence: missense variant. On other transcripts: intron variant (2).
Genome position (GRCh38, 1-based): chr6:73,644,469, T>C on the plus strand (A>G on the coding strand, the complement: SLC17A5 is on the minus strand). VCF-style: chr6-73644469-T-C. GRCh37 (hg19) VCF-style: chr6-74354192-T-C.
Other names: c.229A>G, p.Asn77Asp (NM_001382630.1, NM_001382632.1, NM_001382633.1 and 2 more transcripts); c.250A>G, p.Asn84Asp (NM_001382631.1); c.61-2545A>G (NM_001382636.1, NM_001382629.1); short protein forms N77D, N84D.
Identifiers: ClinVar variation 2147560 (VCV002147560.5), dbSNP rs1281494685, ClinGen allele CA364718873.